The following is an entry in ClinVar:

ClinVar aggregate classification (germline): Conflicting classifications of pathogenicity. Review status: criteria provided, conflicting classifications (1 of 4 stars). 4 submissions from 4 submitters: Uncertain significance (3); Likely benign (1). Last evaluated 2025-02-04.

Conditions:
Hereditary cancer-predisposing syndrome. Also called: Hereditary neoplastic syndrome; Hereditary Cancer Syndrome; Neoplastic Syndromes, Hereditary; Tumor predisposition. Identifiers: Orphanet 140162, MedGen C0027672, MeSH D009386, MONDO:0015356.
Hereditary breast ovarian cancer syndrome. Also called: BRCA1- and BRCA2-Associated Hereditary Breast and Ovarian Cancer; Hereditary breast and ovarian cancer syndrome; Hereditary breast and ovarian cancer; Hereditary breast and ovarian cancer syndrome (HBOC); Breast and ovarian cancer; Hereditary breast and/or ovarian cancer syndrome. Identifiers: Orphanet 145, MedGen C0677776, MeSH D061325, MONDO:0003582. Disease mechanism: loss of function.

Submissions (4):

Ambry Genetics
Classification: Uncertain significance for Hereditary cancer-predisposing syndrome. Last evaluated: 2025-02-04. Review status: criteria provided, single submitter. Criteria: Ambry Variant Classification Scheme 2023. Collection method: clinical testing. Allele origin: germline.
Comment: The p.Q2042L variant (also known as c.6125A>T), located in coding exon 10 of the BRCA2 gene, results from an A to T substitution at nucleotide position 6125. The glutamine at codon 2042 is replaced by leucine, an amino acid with dissimilar properties. This amino acid position is not well conserved on limited sequence alignment. In addition, this alteration is predicted to be tolerated by in silico analysis. Since supporting evidence is limited at this time, the clinical significance of this alteration remains unclear.

Labcorp Genetics (formerly Invitae), Labcorp
Classification: Uncertain significance for Hereditary breast ovarian cancer syndrome. Last evaluated: 2023-04-29. Review status: criteria provided, single submitter. Criteria: Invitae Variant Classification Sherloc (09022015). Collection method: clinical testing. Allele origin: germline.
Comment: This sequence change replaces glutamine, which is neutral and polar, with leucine, which is neutral and non-polar, at codon 2042 of the BRCA2 protein (p.Gln2042Leu). This variant is not present in population databases (gnomAD no frequency). This variant has not been reported in the literature in individuals affected with BRCA2-related conditions. ClinVar contains an entry for this variant (Variation ID: 234757). Advanced modeling of protein sequence and biophysical properties (such as structural, functional, and spatial information, amino acid conservation, physicochemical variation, residue mobility, and thermodynamic stability) performed at Invitae indicates that this missense variant is not expected to disrupt BRCA2 protein function. In summary, the available evidence is currently insufficient to determine the role of this variant in disease. Therefore, it has been classified as a Variant of Uncertain Significance.

University of Washington Department of Laboratory Medicine, University of Washington
Classification: Likely benign for Hereditary cancer-predisposing syndrome. Last evaluated: 2023-03-23. Review status: criteria provided, single submitter. Criteria: Dines et al. (Genet Med. 2020). Collection method: curation. Allele origin: germline.
Comment: Missense variant in a coldspot region where missense variants are very unlikely to be pathogenic (PMID:31911673).

BRCA2 exon 11 coldspot. Reclassification based on statistical prior probability.

GeneDx
Classification: Uncertain significance. Last evaluated: 2016-01-06. Review status: criteria provided, single submitter. Criteria: GeneDx Variant Classification (06012015). Collection method: clinical testing. Allele origin: germline. Affected: yes.
Comment: This variant is denoted BRCA2 c.6125A>T at the cDNA level, p.Gln2042Leu (Q2042L) at the protein level, and results in the change of a Glutamine to a Leucine (CAA>CTA). Using alternate nomenclature, this variant would be defined as BRCA2 6353A>T. This variant has not, to our knowledge, been published in the literature as pathogenic or benign. BRCA2 Gln2042Leu was not observed in approximately 6,500 individuals of European and African American ancestry in the NHLBI Exome Sequencing Project, suggesting it is not a common benign variant in these populations. Since Glutamine and Leucine differ in polarity, charge, size or other properties, this is considered a non-conservative amino acid substitution. BRCA2 Gln2042Leu occurs at a position that is not conserved and is located in the RAD51 binding domain (Roy 2012). In silico analyses predict that this variant is unlikely to alter protein structure or function. Based on currently available evidence, it is unclear whether BRCA2 Gln2042Leu is a pathogenic or benign variant. We consider it to be a variant of uncertain significance.

NM_000059.4(BRCA2):c.6125A>T (p.Gln2042Leu)

Gene: BRCA2 (BRCA2 DNA repair associated; plus strand). Cytogenetic location: 13q13.1.
Variant type: single nucleotide variant.
Coding change: c.6125A>T on transcript NM_000059.4 (MANE Select); coding-DNA position 6125, A replaced by T.
Protein change: p.Gln2042Leu; replaces glutamine 2042 with leucine.
Molecular consequence: missense variant.
Genome position (GRCh38, 1-based): chr13:32,340,480, A>T. VCF-style: chr13-32340480-A-T. GRCh37 (hg19) VCF-style: chr13-32914617-A-T.
Other names: short protein forms Q2042L.
Identifiers: ClinVar variation 234757 (VCV000234757.13), dbSNP rs80358852, ClinGen allele CA10577478.
Genomic context (GRCh38, chr13:32,340,480, plus strand): 5'-CAGACCAGCTCACAAGAGAAGAAAATACTGCTATACGTACTCCAGAACATTTAATATCCC[A>T]AAAAGGCTTTTCATATAATGTGGTAAATTCATCTGCTTTCTCTGGATTTAGTACAGCAAG-3'
Protein context (NP_000050.3, residues 2032-2052): AIRTPEHLIS[Gln2042Leu]KGFSYNVVNS